The following is an entry in ClinVar:

NM_031407.7(HUWE1):c.1136C>G (p.Pro379Arg)

Gene: HUWE1 (HECT, UBA and WWE domain containing E3 ubiquitin protein ligase 1; minus strand). Cytogenetic location: Xp11.22.
Variant type: single nucleotide variant.
Coding change: c.1136C>G on transcript NM_031407.7 (MANE Select); coding-DNA position 1136, C replaced by G.
Protein change: p.Pro379Arg; replaces proline 379 with arginine.
Molecular consequence: missense variant.
Genome position (GRCh38, 1-based): chrX:53,628,599, G>C on the plus strand (C>G on the coding strand, the complement: HUWE1 is on the minus strand). VCF-style: chrX-53628599-G-C. GRCh37 (hg19) VCF-style: chrX-53655550-G-C.
Other names: c.1157C>G, p.Pro386Arg (NM_001441050.1, NM_001441055.1); c.1136C>G, p.Pro379Arg (NM_001441051.1, NM_001441052.1, NM_001441053.1 and 6 more transcripts); short protein forms P379R, P386R.
Identifiers: ClinVar variation 4882333 (VCV004882333.2).

ClinVar aggregate classification (germline): Uncertain significance (1 of 4 stars; one submission).

Conditions:
Syndromic intellectual disability. Also called: Intellectual disability syndrome. Identifiers: Orphanet 183763, MedGen C5680525, MONDO:0000508.

Submission:

Dasa
Classification: Uncertain significance for Syndromic intellectual disability. Last evaluated: 2026-02-28. Review status: criteria provided, single submitter. Criteria: DASA Assertion Criteria. Collection method: clinical testing. Allele origin: germline.
Comment: NM_031407.7(HUWE1):c.1136C>G (p.Pro379Arg) is a missense variant that results in the substitution of proline with arginine. This variant is absent from population databases. The currently available literature and clinical evidence are not sufficient to establish a definitive association between this variant and the reported condition. Therefore, this variant is classified as a variant of uncertain significance.